The following is an entry in ClinVar:

NM_006031.6(PCNT):c.8718G>A (p.Gln2906=)

Gene: PCNT (pericentrin; plus strand). Cytogenetic location: 21q22.3.
Variant type: single nucleotide variant.
Coding change: c.8718G>A on transcript NM_006031.6 (MANE Select); coding-DNA position 8718, G replaced by A.
Protein change: p.Gln2906=; no amino-acid change (glutamine 2906 retained).
Molecular consequence: synonymous variant. On other transcripts: intron variant (1).
Genome position (GRCh38, 1-based): chr21:46,432,182, G>A. VCF-style: chr21-46432182-G-A. GRCh37 (hg19) VCF-style: chr21-47852096-G-A.
Other names: c.8160+204G>A (NM_001315529.2); c.8718G>A (NM_006031.5).
Identifiers: ClinVar variation 1572271 (VCV001572271.9), dbSNP rs755984222, ClinGen allele CA10081039.

ClinVar aggregate classification (germline): Likely benign. Review status: criteria provided, single submitter (1 of 4 stars). 2 submissions from 2 submitters: Likely benign (1). 1 of the submissions does not count toward it. Last evaluated 2024-04-29.

Conditions:
PCNT-related disorder. Also called: PCNT-related condition.

Allele frequency attached by ClinVar (database versions not stated): gnomAD exomes 0.00001 and 0.00002; ExAC 0.00003.
gnomAD v4.1: 8 of 1,612,436 alleles (0.0005%); highest among the groups gnomAD compares: South Asian, 0.0077%; no homozygotes.

Submissions (2):

Labcorp Genetics (formerly Invitae), Labcorp
Classification: Likely benign. Last evaluated: 2024-04-29. Review status: criteria provided, single submitter. Criteria: Invitae Variant Classification Sherloc (09022015). Collection method: clinical testing. Allele origin: germline.

PreventionGenetics, part of Exact Sciences
Classification: Likely benign for PCNT-related condition. Last evaluated: 2019-04-30. Review status: no assertion criteria provided. Collection method: clinical testing. Allele origin: germline. Not counted in ClinVar's aggregate classification.
Comment: This variant is classified as likely benign based on ACMG/AMP sequence variant interpretation guidelines (Richards et al. 2015 PMID: 25741868, with internal and published modifications).